The following is an entry in ClinVar:

NM_000329.3(RPE65):c.275del (p.Ala92fs)

Gene: RPE65 (retinoid isomerohydrolase RPE65; minus strand). Cytogenetic location: 1p31.3.
Variant type: Deletion.
Coding change: c.275del on transcript NM_000329.3 (MANE Select); coding-DNA position 275, one base deleted (C; older notation c.275delC).
Protein change: p.Ala92fs; shifts the reading frame from alanine 92.
Molecular consequence: frameshift variant. On other transcripts: 5 prime UTR variant (2), intron variant (1).
Genome position (GRCh38, 1-based): chr1:68,444,854, G deleted on the plus strand (C on the coding strand, the reverse complement: RPE65 is on the minus strand). VCF-style (leftmost placement, unchanged base first): chr1-68444853-TG-T. GRCh37 (hg19) VCF-style: chr1-68910536-TG-T.
Other names: c.-2del (NM_001406856.1, NM_001406857.1); c.275del, p.Ala92fs (NM_001406859.1, NM_001406860.1); c.246-182del (NM_001406853.1); short protein forms A92fs.
Identifiers: ClinVar variation 4818175 (VCV004818175.1).

ClinVar aggregate classification (germline): Likely pathogenic (1 of 4 stars; one submission).

Conditions:
Leber congenital amaurosis (LCA). Also called: Leber's amaurosis. Identifiers: Orphanet 65, MedGen C0339527, MeSH D057130, MONDO:0018998.

Submission:

Natera, Inc.
Classification: Likely pathogenic for Leber congenital amaurosis. Last evaluated: 2024-08-01. Review status: criteria provided, single submitter. Criteria: Natera Variant Classification Schema (03/2026). Collection method: clinical testing. Allele origin: germline.
Comment: The c.275del variant in RPE65 is a frameshift variant predicted to shift the reading frame beginning at codon 92 and leads to a stop codon 2 codons downstream. This variant is expected to result in nonsense mediated decay, truncation, or a dysfunctional protein product. This variant is rare in the general population with a frequency below the threshold expected for the associated phenotype(s). Given the available evidence, this variant is classified as Likely Pathogenic.